The following is an entry in ClinVar:

ClinVar aggregate classification (germline): Uncertain significance (1 of 4 stars; one submission).

Conditions:
Charcot-Marie-Tooth disease axonal type 2C (HMSN2C). Also called: CHARCOT-MARIE-TOOTH DISEASE, AXONAL, AUTOSOMAL DOMINANT, TYPE 2C; Charcot-Marie-Tooth Neuropathy Type 2C; Charcot-Marie-Tooth Disease Type 2, TRPV4-Related (CMT2C). Identifiers: Orphanet 99937, MedGen C1853710, MONDO:0011633, OMIM 606071.

Submission:

Labcorp Genetics (formerly Invitae), Labcorp
Classification: Uncertain significance for Charcot-Marie-Tooth disease axonal type 2C. Last evaluated: 2024-10-21. Review status: criteria provided, single submitter. Criteria: Invitae Variant Classification Sherloc (09022015). Collection method: clinical testing. Allele origin: germline.
Comment: This sequence change replaces threonine, which is neutral and polar, with serine, which is neutral and polar, at codon 527 of the TRPV4 protein (p.Thr527Ser). This variant is not present in population databases (gnomAD no frequency). This variant has not been reported in the literature in individuals affected with TRPV4-related conditions. Invitae Evidence Modeling of protein sequence and biophysical properties (such as structural, functional, and spatial information, amino acid conservation, physicochemical variation, residue mobility, and thermodynamic stability) indicates that this missense variant is not expected to disrupt TRPV4 protein function with a negative predictive value of 95%. In summary, the available evidence is currently insufficient to determine the role of this variant in disease. Therefore, it has been classified as a Variant of Uncertain Significance.

NM_021625.5(TRPV4):c.1580C>G (p.Thr527Ser)

Gene: TRPV4 (transient receptor potential cation channel subfamily V member 4; minus strand). Cytogenetic location: 12q24.11.
Variant type: single nucleotide variant.
Coding change: c.1580C>G on transcript NM_021625.5 (MANE Select); coding-DNA position 1580, C replaced by G.
Protein change: p.Thr527Ser; replaces threonine 527 with serine.
Molecular consequence: missense variant.
Genome position (GRCh38, 1-based): chr12:109,793,934, G>C on the plus strand (C>G on the coding strand, the complement: TRPV4 is on the minus strand). VCF-style: chr12-109793934-G-C. GRCh37 (hg19) VCF-style: chr12-110231739-G-C.
Other names: c.1439C>G, p.Thr480Ser (NM_001177428.2); c.1478C>G, p.Thr493Ser (NM_001177431.2); c.1259C>G, p.Thr420Ser (NM_001177433.2); c.1400C>G, p.Thr467Ser (NM_147204.3); short protein forms T420S, T467S, T493S, T527S, T480S.
Identifiers: ClinVar variation 3668950 (VCV003668950.2).